The following is an entry in ClinVar:

ClinVar aggregate classification (germline): Uncertain significance. Review status: criteria provided, multiple submitters, no conflicts (2 of 4 stars). 2 submissions from 2 submitters: Uncertain significance (2). Last evaluated 2025-10-15.

Conditions:
Inborn genetic diseases. Identifiers: MedGen C0950123, MeSH D030342.
Chromosome 2q32-q33 deletion syndrome (GLASS). Also called: Glass syndrome; 2q33.1 deletion syndrome. Identifiers: Orphanet 251019, MedGen C2676739, MONDO:0012864, OMIM 612313.

Allele frequency attached by ClinVar (database versions not stated): gnomAD exomes 0.00001.
gnomAD v4.1: 5 of 1,614,196 alleles (0.00031%); highest among the groups gnomAD compares: Middle Eastern, 0.049%; no homozygotes.

Submissions (2):

Labcorp Genetics (formerly Invitae), Labcorp
Classification: Uncertain significance for Chromosome 2q32-q33 deletion syndrome. Last evaluated: 2025-10-15. Review status: criteria provided, single submitter. Criteria: Invitae Variant Classification Sherloc (09022015). Collection method: clinical testing. Allele origin: germline.
Comment: This sequence change replaces aspartic acid, which is acidic and polar, with asparagine, which is neutral and polar, at codon 721 of the SATB2 protein (p.Asp721Asn). This variant is not present in population databases (gnomAD no frequency). This variant has not been reported in the literature in individuals affected with SATB2-related conditions. ClinVar contains an entry for this variant (Variation ID: 2298927). Invitae Evidence Modeling of protein sequence and biophysical properties (such as structural, functional, and spatial information, amino acid conservation, physicochemical variation, residue mobility, and thermodynamic stability) indicates that this missense variant is not expected to disrupt SATB2 protein function with a negative predictive value of 95%. In summary, the available evidence is currently insufficient to determine the role of this variant in disease. Therefore, it has been classified as a Variant of Uncertain Significance.

Ambry Genetics
Classification: Uncertain significance for Inborn genetic diseases. Last evaluated: 2022-06-29. Review status: criteria provided, single submitter. Criteria: Ambry Variant Classification Scheme 2023. Collection method: clinical testing. Allele origin: germline.

NM_001172509.2(SATB2):c.2161G>A (p.Asp721Asn)

Genes: SATB2 (SATB homeobox 2; minus strand), LOC126806462 (MED14-independent group 3 enhancer GRCh37_chr2:200136608-200137807; plus strand). Cytogenetic location: 2q33.1.
Variant type: single nucleotide variant.
Coding change: c.2161G>A on transcript NM_001172509.2 (MANE Select); coding-DNA position 2161, G replaced by A.
Protein change: p.Asp721Asn; replaces aspartic acid 721 with asparagine.
Molecular consequence: missense variant.
Genome position (GRCh38, 1-based): chr2:199,272,252, C>T on the plus strand (G>A on the coding strand, the complement: SATB2 is on the minus strand). VCF-style: chr2-199272252-C-T. GRCh37 (hg19) VCF-style: chr2-200136975-C-T.
Other names: c.2161G>A, p.Asp721Asn (NM_001172517.1, NM_015265.4); short protein forms D721N.
Identifiers: ClinVar variation 2298927 (VCV002298927.3), dbSNP rs2468782730, ClinGen allele CA350384941.
Genomic context (GRCh38, chr2:199,272,252, plus strand): 5'-TGCCTAGTAGAAGTTCACATTATCTCTGGTCAATTTCGGCAGGTGCTGCCTTGCTTTTGT[C>T]AGCATTTTCCTCCTCAGCCTCCACTTTGTACATCTCCTCGGAGCCTTCCTCGCTGTCGTT-3'
Protein context (NP_001165980.1, residues 711-731): YKVEAEEENA[Asp721Asn]KSKAAPAEID